The following is an entry in ClinVar:

ClinVar aggregate classification (germline): Likely benign (1 of 4 stars; one submission).

gnomAD v4.1: 35 of 1,607,358 alleles (0.0022%); highest among the groups gnomAD compares: South Asian, 0.0056%; no homozygotes.

Submission:

CeGaT Center for Human Genetics Tuebingen
Classification: Likely benign. Last evaluated: 2022-12-01. Review status: criteria provided, single submitter. Criteria: CeGaT Center For Human Genetics Tuebingen Variant Classification Criteria Version 2. Collection method: clinical testing. Allele origin: germline. Affected: yes. Observed: 1 variant allele.
Comment: RIOK1: BP4, BP7

NM_031480.3(RIOK1):c.1575G>C (p.Thr525=)

Gene: RIOK1 (RIO kinase 1; plus strand). Cytogenetic location: 6p24.3.
Variant type: single nucleotide variant.
Coding change: c.1575G>C on transcript NM_031480.3 (MANE Select); coding-DNA position 1575, G replaced by C.
Protein change: p.Thr525=; no amino-acid change (threonine 525 retained).
Molecular consequence: synonymous variant.
Genome position (GRCh38, 1-based): chr6:7,414,369, G>C. VCF-style: chr6-7414369-G-C. GRCh37 (hg19) VCF-style: chr6-7414602-G-C.
Other names: c.1263G>C, p.Thr421= (NM_001348194.2).
Identifiers: ClinVar variation 2656208 (VCV002656208.24), dbSNP rs200535882, ClinGen allele CA3628026.
Genomic context (GRCh38, chr6:7,414,369, plus strand): 5'-GTGCTCTGACACAGACTCTGAAGAGCAGGGAGACCATGCCCGCCCCAAGAAACACACCAC[G>C]GACCCTGACATTGATAAAAAAGTAAGCAATGAAATACCTTCCCCTTTTCTTTAGTGTGGG-3'
Protein context (NP_113668.2, residues 515-535): GDHARPKKHT[Thr525=]DPDIDKKERK